The following is an entry in ClinVar:

ClinVar aggregate classification (germline): Uncertain significance (1 of 4 stars; one submission).

Conditions:
Familial meningioma. Also called: Meningioma, familial, susceptibility to. Identifiers: Orphanet 263662, MedGen C3551915, MONDO:0011789, OMIM 607174.

Submission:

Labcorp Genetics (formerly Invitae), Labcorp
Classification: Uncertain significance for Familial meningioma. Last evaluated: 2023-07-06. Review status: criteria provided, single submitter. Criteria: Invitae Variant Classification Sherloc (09022015). Collection method: clinical testing. Allele origin: germline.
Comment: In summary, the available evidence is currently insufficient to determine the role of this variant in disease. Therefore, it has been classified as a Variant of Uncertain Significance. Advanced modeling of protein sequence and biophysical properties (such as structural, functional, and spatial information, amino acid conservation, physicochemical variation, residue mobility, and thermodynamic stability) performed at Invitae indicates that this missense variant is expected to disrupt SMARCE1 protein function. ClinVar contains an entry for this variant (Variation ID: 1057928). This variant has not been reported in the literature in individuals affected with SMARCE1-related conditions. This variant is not present in population databases (gnomAD no frequency). This sequence change replaces threonine, which is neutral and polar, with arginine, which is basic and polar, at codon 263 of the SMARCE1 protein (p.Thr263Arg).

NM_003079.5(SMARCE1):c.788C>G (p.Thr263Arg)

Gene: SMARCE1 (SWI/SNF related BAF chromatin remodeling complex subunit E1; minus strand). Cytogenetic location: 17q21.2.
Variant type: single nucleotide variant.
Coding change: c.788C>G on transcript NM_003079.5 (MANE Select); coding-DNA position 788, C replaced by G.
Protein change: p.Thr263Arg; replaces threonine 263 with arginine.
Molecular consequence: missense variant.
Genome position (GRCh38, 1-based): chr17:40,631,620, G>C on the plus strand (C>G on the coding strand, the complement: SMARCE1 is on the minus strand). VCF-style: chr17-40631620-G-C. GRCh37 (hg19) VCF-style: chr17-38787872-G-C.
Other names: short protein forms T263R.
Identifiers: ClinVar variation 1057928 (VCV001057928.9), dbSNP rs2037096454, ClinGen allele CA399364256.